The following is an entry in ClinVar:

NM_020937.4(FANCM):c.2336dup (p.Leu779fs)

Gene: FANCM (FA complementation group M; plus strand). Cytogenetic location: 14q21.2.
Variant type: Duplication.
Coding change: c.2336dup on transcript NM_020937.4 (MANE Select); coding-DNA position 2336, one base duplicated (T; older notation c.2336dupT).
Protein change: p.Leu779fs; shifts the reading frame from leucine 779.
Molecular consequence: frameshift variant.
Genome position (GRCh38, 1-based): chr14:45,175,090, T duplicated; the last of 2 consecutive T bases (chr14:45,175,089-45,175,090); duplicating either gives the same sequence. VCF-style (leftmost placement, unchanged base first): chr14-45175088-A-AT. GRCh37 (hg19) VCF-style: chr14-45644291-A-AT.
Other names: c.2258dup, p.Leu753fs (NM_001308133.2); short protein forms L753fs, L779fs.
Identifiers: ClinVar variation 1451877 (VCV001451877.7), dbSNP rs1404537579, ClinGen allele CA706099689.

ClinVar aggregate classification (germline): Pathogenic/Likely pathogenic. Review status: criteria provided, multiple submitters, no conflicts (2 of 4 stars). 2 submissions from 2 submitters: Pathogenic (1); Likely pathogenic (1). Last evaluated 2026-07-16.

Conditions:
Oral cavity squamous cell carcinoma. Identifiers: Orphanet 502363, MedGen C0585362, MONDO:0004958.
Fanconi anemia (FA). Also called: Fanconi's anemia. Identifiers: Orphanet 84, MedGen C0015625, MeSH D005199, MONDO:0019391.

Submissions (2):

Institute of Medical Genetics and Applied Genomics, University Hospital Tübingen
Classification: Likely pathogenic for Oral cavity squamous cell carcinoma. Last evaluated: 2026-07-16. Review status: criteria provided, single submitter. Criteria: ACMG Guidelines, 2015. Collection method: clinical testing. Allele origin: germline. Inheritance: Autosomal recessive inheritance. Affected: yes.

Labcorp Genetics (formerly Invitae), Labcorp
Classification: Pathogenic for Fanconi anemia. Last evaluated: 2022-02-19. Review status: criteria provided, single submitter. Criteria: Invitae Variant Classification Sherloc (09022015). Collection method: clinical testing. Allele origin: germline.
Comment: For these reasons, this variant has been classified as Pathogenic. This variant has not been reported in the literature in individuals affected with FANCM-related conditions. This variant is not present in population databases (gnomAD no frequency). This sequence change creates a premature translational stop signal (p.Leu779Phefs*4) in the FANCM gene. It is expected to result in an absent or disrupted protein product. Loss-of-function variants in FANCM are known to be pathogenic (PMID: 29895858, 30075111).

Literature cited by the submitters: PubMed 29895858 (cited by Labcorp Genetics (formerly Invitae), Labcorp); PubMed 30075111 (cited by Labcorp Genetics (formerly Invitae), Labcorp).